The following is an entry in ClinVar:

ClinVar aggregate classification (germline): Uncertain significance (1 of 4 stars; one submission).

Conditions:
Alstrom syndrome (ALMS). Identifiers: Orphanet 64, MedGen C0268425, MONDO:0008763, OMIM 203800.

gnomAD v4.1: 1 of 1,614,016 alleles (0.000062%); highest among the groups gnomAD compares: South Asian, 0.0011%; no homozygotes.

Submission:

Labcorp Genetics (formerly Invitae), Labcorp
Classification: Uncertain significance for Alstrom syndrome. Last evaluated: 2021-07-27. Review status: criteria provided, single submitter. Criteria: Invitae Variant Classification Sherloc (09022015). Collection method: clinical testing. Allele origin: germline.
Comment: In summary, the available evidence is currently insufficient to determine the role of this variant in disease. Therefore, it has been classified as a Variant of Uncertain Significance. Experimental studies and prediction algorithms are not available or were not evaluated, and the functional significance of this variant is currently unknown. This variant has not been reported in the literature in individuals affected with ALMS1-related conditions. This variant is not present in population databases (ExAC no frequency). This sequence change replaces isoleucine with leucine at codon 2965 of the ALMS1 protein (p.Ile2965Leu). The isoleucine residue is moderately conserved and there is a small physicochemical difference between isoleucine and leucine.

NM_001378454.1(ALMS1):c.8890A>C (p.Ile2964Leu)

Gene: ALMS1 (ALMS1 centrosome and basal body associated protein; plus strand). Cytogenetic location: 2p13.1.
Variant type: single nucleotide variant.
Coding change: c.8890A>C on transcript NM_001378454.1 (MANE Select); coding-DNA position 8890, A replaced by C.
Protein change: p.Ile2964Leu; replaces isoleucine 2964 with leucine.
Molecular consequence: missense variant.
Genome position (GRCh38, 1-based): chr2:73,490,849, A>C. VCF-style: chr2-73490849-A-C. GRCh37 (hg19) VCF-style: chr2-73717976-A-C.
Other names: c.8893A>C, p.Ile2965Leu (NM_015120.4); short protein forms I2964L, I2965L.
Identifiers: ClinVar variation 1354199 (VCV001354199.6), dbSNP rs529506570, ClinGen allele CA347271216.